The following is an entry in ClinVar:

ClinVar aggregate classification (germline): Uncertain significance (1 of 4 stars; one submission).

Submission:

Labcorp Genetics (formerly Invitae), Labcorp
Classification: Uncertain significance. Last evaluated: 2022-12-22. Review status: criteria provided, single submitter. Criteria: Invitae Variant Classification Sherloc (09022015). Collection method: clinical testing. Allele origin: germline.
Comment: In summary, the available evidence is currently insufficient to determine the role of this variant in disease. Therefore, it has been classified as a Variant of Uncertain Significance. This variant disrupts the p.Thr264 amino acid residue in FGFR3. Other variant(s) that disrupt this residue have been determined to be pathogenic (PMID: 22903874; Invitae). This suggests that this residue is clinically significant, and that variants that disrupt this residue are likely to be disease-causing. Advanced modeling of protein sequence and biophysical properties (such as structural, functional, and spatial information, amino acid conservation, physicochemical variation, residue mobility, and thermodynamic stability) has been performed at Invitae for this missense variant, however the output from this modeling did not meet the statistical confidence thresholds required to predict the impact of this variant on FGFR3 protein function. This variant has not been reported in the literature in individuals affected with FGFR3-related conditions. This variant is not present in population databases (gnomAD no frequency). This sequence change replaces threonine, which is neutral and polar, with alanine, which is neutral and non-polar, at codon 264 of the FGFR3 protein (p.Thr264Ala).

Literature cited by the submitters: PubMed 22903874.

NM_000142.5(FGFR3):c.790A>G (p.Thr264Ala)

Gene: FGFR3 (fibroblast growth factor receptor 3; plus strand). Cytogenetic location: 4p16.3.
Variant type: single nucleotide variant.
Coding change: c.790A>G on transcript NM_000142.5 (MANE Select); coding-DNA position 790, A replaced by G.
Protein change: p.Thr264Ala; replaces threonine 264 with alanine.
Molecular consequence: missense variant. On other transcripts: non-coding transcript variant (1).
Genome position (GRCh38, 1-based): chr4:1,801,885, A>G. VCF-style: chr4-1801885-A-G. GRCh37 (hg19) VCF-style: chr4-1803612-A-G.
Other names: c.790A>G, p.Thr264Ala (NM_001163213.2, NM_001354809.2, NM_001354810.2 and 1 more transcripts); short protein forms T264A.
Identifiers: ClinVar variation 2823286 (VCV002823286.3), dbSNP rs778283906, ClinGen allele CA355976208.
Genomic context (GRCh38, chr4:1,801,885, plus strand): 5'-GCCCCCACAGAGCGCTCCCCGCACCGGCCCATCCTGCAGGCGGGGCTGCCGGCCAACCAG[A>G]CGGCGGTGCTGGGCAGCGACGTGGAGTTCCACTGCAAGGTGTACAGTGACGCACAGCCCC-3'
Protein context (NP_000133.1, residues 254-274): ILQAGLPANQ[Thr264Ala]AVLGSDVEFH